The following is an entry in ClinVar:

ClinVar aggregate classification (germline): Pathogenic (1 of 4 stars; one submission).

Submission:

GeneDx
Classification: Pathogenic. Last evaluated: 2024-04-29. Review status: criteria provided, single submitter. Criteria: GeneDx Variant Classification Process June 2021. Collection method: clinical testing. Allele origin: germline. Affected: yes.
Comment: Nonsense variant predicted to result in protein truncation or nonsense mediated decay in a gene for which loss of function is a known mechanism of disease; Not observed at significant frequency in large population cohorts (gnomAD); This variant is associated with the following publications: (PMID: 30517737, 31382694)

NM_004656.4(BAP1):c.1768C>T (p.Gln590Ter)

Gene: BAP1 (BRCA1 associated deubiquitinase 1; minus strand). Cytogenetic location: 3p21.1.
Variant type: single nucleotide variant.
Coding change: c.1768C>T on transcript NM_004656.4 (MANE Select); coding-DNA position 1768, C replaced by T.
Protein change: p.Gln590Ter; replaces glutamine 590 with a stop codon.
Molecular consequence: nonsense.
Genome position (GRCh38, 1-based): chr3:52,403,260, G>A on the plus strand (C>T on the coding strand, the complement: BAP1 is on the minus strand). VCF-style: chr3-52403260-G-A. GRCh37 (hg19) VCF-style: chr3-52437276-G-A.
Other names: c.1714C>T, p.Gln572Ter (NM_001410772.1); short protein forms Q572*, Q590*.
Identifiers: ClinVar variation 3371820 (VCV003371820.1).